The following is an entry in ClinVar:

ClinVar aggregate classification (germline): Uncertain significance (1 of 4 stars; one submission).

Conditions:
Hereditary cancer-predisposing syndrome. Also called: Hereditary Cancer Syndrome; Hereditary neoplastic syndrome; Neoplastic Syndromes, Hereditary; Tumor predisposition. Identifiers: Orphanet 140162, MedGen C0027672, MeSH D009386, MONDO:0015356.

Submission:

Ambry Genetics
Classification: Uncertain significance for Hereditary cancer-predisposing syndrome. Last evaluated: 2025-06-05. Review status: criteria provided, single submitter. Criteria: Ambry Variant Classification Scheme 2023. Collection method: clinical testing. Allele origin: germline.
Comment: The p.E886* variant (also known as c.2656G>T), located in coding exon 20 of the MSH3 gene, results from a G to T substitution at nucleotide position 2656. This changes the amino acid from a glutamic acid to a stop codon within coding exon 20. Loss-of-function variants are expected to result in loss of function by premature protein truncation or nonsense-mediated mRNA decay. However, In silico splice site analysis predicts that this alteration will result in the creation or strengthening of a novel splice acceptor site. A resulting transcript is predicted to be in-frame and is not expected to trigger nonsense-mediated mRNA decay; although, direct evidence is unavailable. The exact functional effect of this variant is unknown. Based on the available evidence, the clinical significance of this variant remains unclear.

NM_002439.5(MSH3):c.2656G>T (p.Glu886Ter)

Gene: MSH3 (mutS homolog 3; plus strand). Cytogenetic location: 5q14.1.
Variant type: single nucleotide variant.
Coding change: c.2656G>T on transcript NM_002439.5 (MANE Select); coding-DNA position 2656, G replaced by T.
Protein change: p.Glu886Ter; replaces glutamic acid 886 with a stop codon.
Molecular consequence: nonsense.
Genome position (GRCh38, 1-based): chr5:80,813,584, G>T. VCF-style: chr5-80813584-G-T. GRCh37 (hg19) VCF-style: chr5-80109403-G-T.
Other names: short protein forms E886*.
Identifiers: ClinVar variation 3913648 (VCV003913648.1).
Genomic context (GRCh38, chr5:80,813,584, plus strand): 5'-TTGTGGATATTATCAAAAACTTTTCTGGTACAATAAGTGAAATTCCTTTCTAATTTTCAG[G>T]AGGACTCAGAGAGAGTAATGATAATTACCGGACCAAACATGGGTGGAAAGAGCTCCTACA-3'